The following is an entry in ClinVar:

NM_001232.4(CASQ2):c.974_983del (p.Asp325fs)

Gene: CASQ2 (calsequestrin 2; minus strand). Cytogenetic location: 1p13.1.
Variant type: Deletion.
Coding change: c.974_983del on transcript NM_001232.4 (MANE Select); coding-DNA positions 974 to 983, 10 bases deleted (ACCTATTCAG; older notation c.974_983delACCTATTCAG).
Protein change: p.Asp325fs; shifts the reading frame from aspartic acid 325.
Molecular consequence: frameshift variant.
Genome position (GRCh38, 1-based): chr1:115,702,952-115,702,961, CTGAATAGGT deleted on the plus strand (ACCTATTCAG on the coding strand, the reverse complement: CASQ2 is on the minus strand); deleting any 10 consecutive bases within chr1:115,702,952-115,702,962 gives the same sequence; the c. name uses the placement nearest the transcript's 3' end. VCF-style (leftmost placement, unchanged base first): chr1-115702951-CCTGAATAGGT-C. GRCh37 (hg19) VCF-style: chr1-116245572-CCTGAATAGGT-C.
Other names: short protein forms D325fs.
Identifiers: ClinVar variation 2988469 (VCV002988469.5), dbSNP rs1255988597, ClinGen allele CA525429811.

ClinVar aggregate classification (germline): Pathogenic/Likely pathogenic. Review status: criteria provided, multiple submitters, no conflicts (2 of 4 stars). 3 submissions from 3 submitters: Pathogenic (1); Likely pathogenic (2). Last evaluated 2025-06-07.

Conditions:
CASQ2-related disorder. Also called: CASQ2-related condition.
Catecholaminergic polymorphic ventricular tachycardia 1. Also called: RYR2-Related Catecholaminergic Polymorphic Ventricular Tachycardia; VENTRICULAR TACHYCARDIA, CATECHOLAMINERGIC POLYMORPHIC, 1, WITH OR WITHOUT ATRIAL DYSFUNCTION AND/OR DILATED CARDIOMYOPATHY; VENTRICULAR TACHYCARDIA, STRESS-INDUCED POLYMORPHIC 1. Identifiers: Orphanet 3286, MedGen C1631597, MONDO:0011484, OMIM 604772.

Submissions (3):

Labcorp Genetics (formerly Invitae), Labcorp
Classification: Pathogenic for Catecholaminergic polymorphic ventricular tachycardia 1. Last evaluated: 2025-06-07. Review status: criteria provided, single submitter. Criteria: Invitae Variant Classification Sherloc (09022015). Collection method: clinical testing. Allele origin: germline.
Comment: This sequence change creates a premature translational stop signal (p.Asp325Glyfs*7) in the CASQ2 gene. While this is not anticipated to result in nonsense mediated decay, it is expected to disrupt the last 75 amino acid(s) of the CASQ2 protein. This variant is present in population databases (no rsID available, gnomAD 0.05%). This variant has not been reported in the literature in individuals affected with CASQ2-related conditions. ClinVar contains an entry for this variant (Variation ID: 2988469). This variant disrupts a region of the CASQ2 protein in which other variant(s) (p.W361*) have been determined to be pathogenic (PMID: 23595086, 30729048). This suggests that this is a clinically significant region of the protein, and that variants that disrupt it are likely to be disease-causing. For these reasons, this variant has been classified as Pathogenic.

Laboratory of Genetics, Children's Clinical University Hospital Latvia
Classification: Likely pathogenic. Last evaluated: 2025-02-16. Review status: criteria provided, single submitter. Criteria: ACMG Guidelines, 2015. Collection method: clinical testing. Allele origin: germline. Affected: yes.

Blueprint Genetics
Classification: Likely pathogenic for CASQ2-related disorders. Last evaluated: 2023-05-26. Review status: criteria provided, single submitter. Criteria: ACMG Guidelines, 2015. Collection method: clinical testing. Allele origin: germline. Affected: yes. Observed: 3 variant alleles.

Literature cited by the submitters: PubMed 23595086 (cited by Labcorp Genetics (formerly Invitae), Labcorp); PubMed 30729048 (cited by Labcorp Genetics (formerly Invitae), Labcorp).